The following is an entry in ClinVar:

ClinVar aggregate classification (germline): Likely pathogenic (1 of 4 stars; one submission).

Conditions:
Smith-Lemli-Opitz syndrome (SLOS). Also called: LETHAL ACRODYSGENITAL SYNDROME; POLYDACTYLY, SEX REVERSAL, RENAL HYPOPLASIA, AND UNILOBAR LUNG; RSH SYNDROME; RUTLEDGE LETHAL MULTIPLE CONGENITAL ANOMALY SYNDROME; 7-Dehydrocholesterol reductase deficiency. Identifiers: Orphanet 818, MedGen C0175694, MONDO:0010035, OMIM 270400.

Submission:

Natera, Inc.
Classification: Likely pathogenic for Smith-Lemli-Opitz syndrome. Last evaluated: 2024-02-22. Review status: criteria provided, single submitter. Criteria: Natera Variant Classification Schema (03/2026). Collection method: clinical testing. Allele origin: germline.
Comment: The c.829C>T variant in DHCR7 is a nonsense variant predicted to introduce a stop codon at amino acid 277. This variant is expected to result in nonsense mediated decay, truncation, or a dysfunctional protein product. This variant is rare in the general population with a frequency below the threshold expected for the associated phenotype(s). Given the available evidence, this variant is classified as Likely Pathogenic.

NM_001360.3(DHCR7):c.829C>T (p.Gln277Ter)

Gene: DHCR7 (7-dehydrocholesterol reductase; minus strand). Cytogenetic location: 11q13.4.
Variant type: single nucleotide variant.
Coding change: c.829C>T on transcript NM_001360.3 (MANE Select); coding-DNA position 829, C replaced by T.
Protein change: p.Gln277Ter; replaces glutamine 277 with a stop codon.
Molecular consequence: nonsense.
Genome position (GRCh38, 1-based): chr11:71,438,881, G>A on the plus strand (C>T on the coding strand, the complement: DHCR7 is on the minus strand). VCF-style: chr11-71438881-G-A. GRCh37 (hg19) VCF-style: chr11-71149927-G-A.
Other names: c.829C>T, p.Gln277Ter (NM_001163817.2, NM_001425109.1, NM_001425110.1 and 6 more transcripts); c.880C>T, p.Gln294Ter (NM_001425107.1); c.865C>T, p.Gln289Ter (NM_001425108.1); c.769C>T, p.Gln257Ter (NM_001425113.1); c.733C>T, p.Gln245Ter (NM_001425114.1, NM_001425116.1); c.655C>T, p.Gln219Ter (NM_001425117.1); short protein forms Q219*, Q245*, Q257*, Q277*, Q289*, Q294*.
Identifiers: ClinVar variation 4814837 (VCV004814837.1).
Genomic context (GRCh38, chr11:71,438,881, plus strand): 5'-GGGTTCCCCCAGAGCCTGCCGGCATCGGCGTTTCACCCTCTCCAGCCATGACAGGCACCT[G>A]CAGGACGTTGACCAGGACCATGGCATTGGTCACATGGCTGTGGAGCTCCCGCTGCTTCGC-3'